The following is an entry in ClinVar:

NM_000302.4(PLOD1):c.916_928dup (p.Arg310fs)

Gene: PLOD1 (procollagen-lysine,2-oxoglutarate 5-dioxygenase 1; plus strand). Cytogenetic location: 1p36.22.
Variant type: Duplication.
Coding change: c.916_928dup on transcript NM_000302.4 (MANE Select); coding-DNA positions 916 to 928, 13 bases duplicated (CAGCGGCTCCTGC).
Protein change: p.Arg310fs; shifts the reading frame from arginine 310.
Molecular consequence: frameshift variant.
Genome position (GRCh38, 1-based): chr1:11,958,588-11,958,600, CAGCGGCTCCTGC duplicated; duplicating any 13 consecutive bases within chr1:11,958,587-11,958,600 gives the same sequence; the c. name uses the placement nearest the transcript's 3' end. VCF-style (leftmost placement, unchanged base first): chr1-11958586-T-TCCAGCGGCTCCTG. GRCh37 (hg19) VCF-style: chr1-12018643-T-TCCAGCGGCTCCTG.
Other names: c.1057_1069dup, p.Arg357fs (NM_001316320.2); short protein forms R310fs, R357fs.
Identifiers: ClinVar variation 817784 (VCV000817784.1), dbSNP rs1471557079, ClinGen allele CA521200776.

ClinVar aggregate classification (germline): Pathogenic (1 of 4 stars; one submission).

Submission:

GeneDx
Classification: Pathogenic. Last evaluated: 2018-08-23. Review status: criteria provided, single submitter. Criteria: GeneDx Variant Classification (06012015). Collection method: clinical testing. Allele origin: germline. Affected: yes.
Comment: The c.916_928dup13 variant in the PLOD1 gene has not been reported previously as a pathogenic variant nor as a benign variant, to our knowledge. The c.916_928dup13 variant causes a frameshift starting with codon Arginine 310, changes this amino acid to a Proline residue, and creates a premature Stop codon at position 48 of the new reading frame, denoted p.Arg310ProfsX48. This variant is predicted to cause loss of normal protein function either through protein truncation or nonsense-mediated mRNA decay. The c.916_928dup13 variant is not observed at a significant frequency in large population cohorts (Lek et al., 2016). We interpret c.916_928dup13 as a pathogenic variant.